The following is an entry in ClinVar:

ClinVar aggregate classification (germline): Uncertain significance (1 of 4 stars; one submission).

Submission:

GeneDx
Classification: Uncertain significance. Last evaluated: 2022-06-07. Review status: criteria provided, single submitter. Criteria: GeneDx Variant Classification Process June 2021. Collection method: clinical testing. Allele origin: germline. Affected: yes.
Comment: Not observed at significant frequency in large population cohorts (gnomAD); In silico analysis supports that this missense variant has a deleterious effect on protein structure/function; Has not been previously published as pathogenic or benign to our knowledge

NM_025099.6(CTC1):c.3241A>C (p.Thr1081Pro)

Gene: CTC1 (CST telomere replication complex component 1; minus strand). Cytogenetic location: 17p13.1.
Variant type: single nucleotide variant.
Coding change: c.3241A>C on transcript NM_025099.6 (MANE Select); coding-DNA position 3241, A replaced by C.
Protein change: p.Thr1081Pro; replaces threonine 1081 with proline.
Molecular consequence: missense variant. On other transcripts: non-coding transcript variant (1).
Genome position (GRCh38, 1-based): chr17:8,228,873, T>G on the plus strand (A>C on the coding strand, the complement: CTC1 is on the minus strand). VCF-style: chr17-8228873-T-G. GRCh37 (hg19) VCF-style: chr17-8132191-T-G.
Other names: short protein forms T1081P.
Identifiers: ClinVar variation 1803304 (VCV001803304.1), dbSNP rs1986961406, ClinGen allele CA397969407.